The following is an entry in ClinVar:

NM_003072.5(SMARCA4):c.1074G>A (p.Pro358=)

Gene: SMARCA4 (SWI/SNF related BAF chromatin remodeling complex subunit ATPase 4; plus strand). Cytogenetic location: 19p13.2.
Variant type: single nucleotide variant.
Coding change: c.1074G>A on transcript NM_003072.5 (MANE Select); coding-DNA position 1074, G replaced by A.
Protein change: p.Pro358=; no amino-acid change (proline 358 retained).
Molecular consequence: synonymous variant. On other transcripts: non-coding transcript variant (1).
Genome position (GRCh38, 1-based): chr19:10,987,880, G>A. VCF-style: chr19-10987880-G-A. GRCh37 (hg19) VCF-style: chr19-11098556-G-A.
Other names: c.1074G>A, p.Pro358= (NM_001128844.3, NM_001128845.2, NM_001128846.2 and 5 more transcripts).
Identifiers: ClinVar variation 238358 (VCV000238358.29), dbSNP rs374167170, ClinGen allele CA9203665.

ClinVar aggregate classification (germline): Benign/Likely benign. Review status: criteria provided, multiple submitters, no conflicts (2 of 4 stars). 10 submissions from 10 submitters: Benign (3); Likely benign (7). Last evaluated 2026-07-09.

Conditions:
SMARCA4-related disorder. Also called: SMARCA4-related condition.
Coffin-Siris syndrome. Identifiers: Orphanet 1465, MedGen C0265338, MONDO:0015452.
Hereditary cancer-predisposing syndrome. Also called: Hereditary Cancer Syndrome; Tumor predisposition; Hereditary neoplastic syndrome; Neoplastic Syndromes, Hereditary. Identifiers: Orphanet 140162, MedGen C0027672, MeSH D009386, MONDO:0015356.
Intellectual disability, autosomal dominant 16 (CSS4). Also called: COFFIN-SIRIS SYNDROME 4. Identifiers: Orphanet 1465, MedGen C3553249, MONDO:0013821, OMIM 614609.
Rhabdoid tumor predisposition syndrome 2 (RTPS2). Identifiers: Orphanet 231108, Orphanet 69077, MedGen C2750074, MONDO:0013224, OMIM 613325.

Allele frequency attached by ClinVar (database versions not stated): ExAC 0.00002; TOPMed 0.00004; gnomAD exomes 0.00013 and 0.00003; gnomAD 0.00002; ESP Exome Variant Server 0.00016.
gnomAD v4.1: 195 of 1,612,926 alleles (0.012%); highest among the groups gnomAD compares: Non-Finnish European, 0.016%; no homozygotes.

Submissions (10):

Myriad Genetics, Inc.
Classification: Benign for Rhabdoid tumor predisposition syndrome 2. Last evaluated: 2026-07-09. Review status: criteria provided, single submitter. Criteria: Myriad Autosomal Dominant, Autosomal Recessive and X-Linked Classification Criteria (2023). Collection method: clinical testing. Allele origin: unknown.
Comment: This variant is considered benign. This variant is a silent/synonymous amino acid change and it is not expected to impact splicing.

PreventionGenetics, part of Exact Sciences
Classification: Likely benign for SMARCA4-related condition. Last evaluated: 2026-02-16. Review status: criteria provided, single submitter. Criteria: ACMG Guidelines, 2015. Collection method: clinical testing. Allele origin: germline.
Comment: This variant is classified as likely benign based on ACMG/AMP sequence variant interpretation guidelines (Richards et al. 2015 PMID: 25741868, with internal and published modifications).

Labcorp Genetics (formerly Invitae), Labcorp
Classification: Likely benign for Rhabdoid tumor predisposition syndrome 2. Last evaluated: 2026-02-03. Review status: criteria provided, single submitter. Criteria: Invitae Variant Classification Sherloc (09022015). Collection method: clinical testing. Allele origin: germline.

Blueprint Genetics
Classification: Likely benign. Last evaluated: 2024-05-06. Review status: criteria provided, single submitter. Criteria: ACMG Guidelines, 2015. Collection method: clinical testing. Allele origin: germline.

Quest Diagnostics Nichols Institute San Juan Capistrano
Classification: Likely benign. Last evaluated: 2023-09-08. Review status: criteria provided, single submitter. Criteria: Quest Diagnostics criteria. Collection method: clinical testing. Allele origin: unknown.

Genome-Nilou Lab
Classification: Likely benign for Intellectual disability, autosomal dominant 16. Last evaluated: 2021-07-15. Review status: criteria provided, single submitter. Criteria: ACMG Guidelines, 2015. Collection method: clinical testing. Allele origin: germline. Affected: no.

Sema4
Classification: Benign for Hereditary cancer-predisposing syndrome. Last evaluated: 2021-03-21. Review status: criteria provided, single submitter. Criteria: Sema4 Curation Guidelines. Collection method: curation. Allele origin: germline.

GeneDx
Classification: Likely benign. Last evaluated: 2020-05-04. Review status: criteria provided, single submitter. Criteria: GeneDx Variant Classification Process June 2021. Collection method: clinical testing. Allele origin: germline. Affected: yes.

Illumina Laboratory Services, Illumina
Classification: Benign for Coffin-Siris syndrome. Last evaluated: 2018-01-12. Review status: criteria provided, single submitter. Criteria: ICSL Variant Classification Criteria 13 December 2019. Collection method: clinical testing. Allele origin: germline.
Comment: This variant was observed in the ICSL laboratory as part of a predisposition screen in an ostensibly healthy population. It had not been previously curated by ICSL or reported in the Human Gene Mutation Database (HGMD: prior to June 1st, 2018), and was therefore a candidate for classification through an automated scoring system. Utilizing variant allele frequency, disease prevalence and penetrance estimates, and inheritance mode, an automated score was calculated to assess if this variant is too frequent to cause the disease. Based on the score and internal cut-off values, a variant classified as benign is not then subjected to further curation. The score for this variant resulted in a classification of benign for this disease.

Ambry Genetics
Classification: Likely benign for Hereditary cancer-predisposing syndrome. Last evaluated: 2015-06-27. Review status: criteria provided, single submitter. Criteria: Ambry Variant Classification Scheme 2023. Collection method: clinical testing. Allele origin: germline.